The following is an entry in ClinVar:

ClinVar aggregate classification (germline): Uncertain significance (1 of 4 stars; one submission).

Allele frequency attached by ClinVar (database versions not stated): TOPMed below 0.00001; ExAC 0.00003.
gnomAD v4.1: 12 of 1,613,884 alleles (0.00074%); highest among the groups gnomAD compares: Admixed American, 0.0033%; no homozygotes.

Submission:

Labcorp Genetics (formerly Invitae), Labcorp
Classification: Uncertain significance. Last evaluated: 2023-09-09. Review status: criteria provided, single submitter. Criteria: Invitae Variant Classification Sherloc (09022015). Collection method: clinical testing. Allele origin: germline.
Comment: This sequence change replaces proline, which is neutral and non-polar, with leucine, which is neutral and non-polar, at codon 342 of the ZIC4 protein (p.Pro342Leu). This variant is present in population databases (rs762947769, gnomAD 0.006%). This variant has not been reported in the literature in individuals affected with ZIC4-related conditions. An algorithm developed to predict the effect of missense changes on protein structure and function (PolyPhen-2) suggests that this variant is likely to be tolerated. In summary, the available evidence is currently insufficient to determine the role of this variant in disease. Therefore, it has been classified as a Variant of Uncertain Significance.

NM_032153.6(ZIC4):c.875C>T (p.Pro292Leu)

Gene: ZIC4 (Zic family zinc finger 4; minus strand). Cytogenetic location: 3q24.
Variant type: single nucleotide variant.
Coding change: c.875C>T on transcript NM_032153.6 (MANE Select); coding-DNA position 875, C replaced by T.
Protein change: p.Pro292Leu; replaces proline 292 with leucine.
Molecular consequence: missense variant. On other transcripts: non-coding transcript variant (3).
Genome position (GRCh38, 1-based): chr3:147,391,060, G>A on the plus strand (C>T on the coding strand, the complement: ZIC4 is on the minus strand). VCF-style: chr3-147391060-G-A. GRCh37 (hg19) VCF-style: chr3-147108847-G-A.
Other names: c.1025C>T, p.Pro342Leu (NM_001168378.1); c.989C>T, p.Pro330Leu (NM_001168379.2); c.257C>T, p.Pro86Leu (NM_001243256.2); short protein forms P292L, P342L, P86L, P330L.
Identifiers: ClinVar variation 2904968 (VCV002904968.3), dbSNP rs762947769, ClinGen allele CA2656696.
Genomic context (GRCh38, chr3:147,391,060, plus strand): 5'-TCCGACGAGGGCGACACGAGGGCAGACGGTGTAGCCGAATCGTAGCCAGAGCTGGGCGGC[G>A]GCGAGCGCCCGTGCACCTTCATGTGCTTACGCAGCGAGCTGGGGTGCGTGTAGCACTTGT-3'
Protein context (NP_115529.2, residues 282-302): RKHMKVHGRS[Pro292Leu]PPSSGYDSAT